The following is an entry in ClinVar:

ClinVar aggregate classification (germline): Uncertain significance (1 of 4 stars; one submission).

Conditions:
Alstrom syndrome (ALMS). Identifiers: Orphanet 64, MedGen C0268425, MONDO:0008763, OMIM 203800.

Submission:

Labcorp Genetics (formerly Invitae), Labcorp
Classification: Uncertain significance for Alstrom syndrome. Last evaluated: 2025-01-15. Review status: criteria provided, single submitter. Criteria: Invitae Variant Classification Sherloc (09022015). Collection method: clinical testing. Allele origin: germline.
Comment: This sequence change replaces proline, which is neutral and non-polar, with leucine, which is neutral and non-polar, at codon 1413 of the ALMS1 protein (p.Pro1413Leu). This variant is not present in population databases (gnomAD no frequency). This variant has not been reported in the literature in individuals affected with ALMS1-related conditions. ClinVar contains an entry for this variant (Variation ID: 2119624). Experimental studies and prediction algorithms are not available or were not evaluated, and the functional significance of this variant is currently unknown. In summary, the available evidence is currently insufficient to determine the role of this variant in disease. Therefore, it has been classified as a Variant of Uncertain Significance.

NM_001378454.1(ALMS1):c.4235C>T (p.Pro1412Leu)

Gene: ALMS1 (ALMS1 centrosome and basal body associated protein; plus strand). Cytogenetic location: 2p13.1.
Variant type: single nucleotide variant.
Coding change: c.4235C>T on transcript NM_001378454.1 (MANE Select); coding-DNA position 4235, C replaced by T.
Protein change: p.Pro1412Leu; replaces proline 1412 with leucine.
Molecular consequence: missense variant.
Genome position (GRCh38, 1-based): chr2:73,450,762, C>T. VCF-style: chr2-73450762-C-T. GRCh37 (hg19) VCF-style: chr2-73677889-C-T.
Other names: c.4238C>T, p.Pro1413Leu (NM_015120.4); short protein forms P1413L, P1412L.
Identifiers: ClinVar variation 2119624 (VCV002119624.3), dbSNP rs2466101050, ClinGen allele CA347277819.